The following is an entry in ClinVar:

ClinVar aggregate classification (germline): Uncertain significance (1 of 4 stars; one submission).

Conditions:
KIF11-related disorder. Also called: KIF11-related condition.

Submission:

PreventionGenetics, part of Exact Sciences
Classification: Uncertain significance for KIF11-related condition. Last evaluated: 2025-07-18. Review status: criteria provided, single submitter. Criteria: ACMG Guidelines, 2015. Collection method: clinical testing. Allele origin: germline.
Comment: The KIF11 c.1774A>C variant is predicted to result in the amino acid substitution p.Ile592Leu. To our knowledge, this variant has not been reported in the literature. This variant is absent in a large population database (gnomAD), indicating this variant is rare. At this time, the clinical significance of this variant is uncertain due to the absence of conclusive functional and genetic evidence.

NM_004523.4(KIF11):c.1774A>C (p.Ile592Leu)

Gene: KIF11 (kinesin family member 11; plus strand). Cytogenetic location: 10q23.33.
Variant type: single nucleotide variant.
Coding change: c.1774A>C on transcript NM_004523.4 (MANE Select); coding-DNA position 1774, A replaced by C.
Protein change: p.Ile592Leu; replaces isoleucine 592 with leucine.
Molecular consequence: missense variant.
Genome position (GRCh38, 1-based): chr10:92,633,694, A>C. VCF-style: chr10-92633694-A-C. GRCh37 (hg19) VCF-style: chr10-94393451-A-C.
Other names: short protein forms I592L.
Identifiers: ClinVar variation 5001433 (VCV005001433.1).
Genomic context (GRCh38, chr10:92,633,694, plus strand): 5'-TCTTCCAGTGTCTCTGCATTAGATACCATTACTACAGTAGCACTTGGATCTCTCACATCT[A>C]TTCCAGAAAATGTGTCTACTCATGTTTCTCAGATTTTTAATATGATACTAAAAGAACAAT-3'
Protein context (NP_004514.2, residues 582-602): TTVALGSLTS[Ile592Leu]PENVSTHVSQ